The following is an entry in ClinVar:

NM_005535.3(IL12RB1):c.253C>T (p.Arg85Cys)

Gene: IL12RB1 (interleukin 12 receptor subunit beta 1; minus strand). Cytogenetic location: 19p13.11.
Variant type: single nucleotide variant.
Coding change: c.253C>T on transcript NM_005535.3 (MANE Select); coding-DNA position 253, C replaced by T.
Protein change: p.Arg85Cys; replaces arginine 85 with cysteine.
Molecular consequence: missense variant.
Genome position (GRCh38, 1-based): chr19:18,080,988, G>A on the plus strand (C>T on the coding strand, the complement: IL12RB1 is on the minus strand). VCF-style: chr19-18080988-G-A. GRCh37 (hg19) VCF-style: chr19-18191798-G-A.
Other names: c.253C>T, p.Arg85Cys (NM_001290023.2, NM_153701.3); c.373C>T, p.Arg125Cys (NM_001290024.2); short protein forms R125C, R85C.
Identifiers: ClinVar variation 2167466 (VCV002167466.2), dbSNP rs138859377, ClinGen allele CA9305277.
Genomic context (GRCh38, chr19:18,080,988, plus strand): 5'-CCCCAGCCTGGTCGGAGAACTGCAGCCTGGTGGCTGAGCCGGCGGCGAAGTAGCAGCAGC[G>A]CCCGGAGCTAAGGCTGCAGCAGGAAGGAGGGTGTCAGTGCCGAGTCTGGGGTCCTAGTGG-3'
Protein context (NP_005526.1, residues 75-95): HFLRCCLSSG[Arg85Cys]CCYFAAGSAT

ClinVar aggregate classification (germline): Uncertain significance (1 of 4 stars; one submission).

Conditions:
Mendelian susceptibility to mycobacterial diseases due to complete IL12RB1 deficiency. Also called: IL12RB1 DEFICIENCY; Immunodeficiency 30. Identifiers: Orphanet 319552, MedGen C4013949, MONDO:0013955, OMIM 614891.

Allele frequency attached by ClinVar (database versions not stated): ExAC 0.00003; gnomAD exomes 0.00003; gnomAD 0.00005; TOPMed 0.00005; ESP Exome Variant Server 0.00008.
gnomAD v4.1: 53 of 1,612,288 alleles (0.0033%); highest among the groups gnomAD compares: Middle Eastern, 0.018%; no homozygotes.

Submission:

Labcorp Genetics (formerly Invitae), Labcorp
Classification: Uncertain significance for Mendelian susceptibility to mycobacterial diseases due to complete IL12RB1 deficiency. Last evaluated: 2022-05-31. Review status: criteria provided, single submitter. Criteria: Invitae Variant Classification Sherloc (09022015). Collection method: clinical testing. Allele origin: germline.
Comment: In summary, the available evidence is currently insufficient to determine the role of this variant in disease. Therefore, it has been classified as a Variant of Uncertain Significance. Algorithms developed to predict the effect of missense changes on protein structure and function output the following: SIFT: "Deleterious"; PolyPhen-2: "Benign"; Align-GVGD: "Class C15". The cysteine amino acid residue is found in multiple mammalian species, which suggests that this missense change does not adversely affect protein function. This variant has not been reported in the literature in individuals affected with IL12RB1-related conditions. This variant is present in population databases (rs138859377, gnomAD 0.01%). This sequence change replaces arginine, which is basic and polar, with cysteine, which is neutral and slightly polar, at codon 85 of the IL12RB1 protein (p.Arg85Cys).